The following is an entry in ClinVar:

NM_001042492.3(NF1):c.4071C>A (p.Phe1357Leu)

Gene: NF1 (neurofibromin 1; plus strand). Cytogenetic location: 17q11.2.
Variant type: single nucleotide variant.
Coding change: c.4071C>A on transcript NM_001042492.3 (MANE Select); coding-DNA position 4071, C replaced by A.
Protein change: p.Phe1357Leu; replaces phenylalanine 1357 with leucine.
Molecular consequence: missense variant.
Genome position (GRCh38, 1-based): chr17:31,249,080, C>A. VCF-style: chr17-31249080-C-A. GRCh37 (hg19) VCF-style: chr17-29576098-C-A.
Other names: c.4071C>A, p.Phe1357Leu (NM_000267.4); short protein forms F1357L.
Identifiers: ClinVar variation 1737557 (VCV001737557.8), dbSNP rs747272290, ClinGen allele CA398995023.

ClinVar aggregate classification (germline): Uncertain significance. Review status: criteria provided, multiple submitters, no conflicts (2 of 4 stars). 2 submissions from 2 submitters: Uncertain significance (2). Last evaluated 2024-08-15.

Conditions:
Cardiovascular phenotype. Identifiers: MedGen CN230736.
Hereditary cancer-predisposing syndrome. Also called: Neoplastic Syndromes, Hereditary; Tumor predisposition; Hereditary Cancer Syndrome; Hereditary neoplastic syndrome. Identifiers: Orphanet 140162, MedGen C0027672, MeSH D009386, MONDO:0015356.
Neurofibromatosis, type 1 (NF1). Also called: VON RECKLINGHAUSEN DISEASE; NEUROFIBROMATOSIS, TYPE I, SOMATIC; Neurofibromatosis, type I; Peripheral type neurofibromatosis. Identifiers: Orphanet 636, MedGen C0027831, MONDO:0018975, OMIM 162200. Disease mechanism: loss of function.

gnomAD v4.1: 1 of 1,613,936 alleles (0.000062%); highest among the groups gnomAD compares: Non-Finnish European, 0.000085%; no homozygotes.

Submissions (2):

Labcorp Genetics (formerly Invitae), Labcorp
Classification: Uncertain significance for Neurofibromatosis, type 1. Last evaluated: 2024-08-15. Review status: criteria provided, single submitter. Criteria: Invitae Variant Classification Sherloc (09022015). Collection method: clinical testing. Allele origin: germline.
Comment: This sequence change replaces phenylalanine, which is neutral and non-polar, with leucine, which is neutral and non-polar, at codon 1357 of the NF1 protein (p.Phe1357Leu). This variant is not present in population databases (gnomAD no frequency). This variant has not been reported in the literature in individuals affected with NF1-related conditions. ClinVar contains an entry for this variant (Variation ID: 1737557). Invitae Evidence Modeling of protein sequence and biophysical properties (such as structural, functional, and spatial information, amino acid conservation, physicochemical variation, residue mobility, and thermodynamic stability) has been performed for this missense variant. However, the output from this modeling did not meet the statistical confidence thresholds required to predict the impact of this variant on NF1 protein function. In summary, the available evidence is currently insufficient to determine the role of this variant in disease. Therefore, it has been classified as a Variant of Uncertain Significance.

Ambry Genetics
Classification: Uncertain significance for Cardiovascular phenotype; Hereditary cancer-predisposing syndrome. Last evaluated: 2023-03-13. Review status: criteria provided, single submitter. Criteria: Ambry Variant Classification Scheme 2023. Collection method: clinical testing. Allele origin: germline.
Comment: The p.F1357L variant (also known as c.4071C>A), located in coding exon 30 of the NF1 gene, results from a C to A substitution at nucleotide position 4071. The phenylalanine at codon 1357 is replaced by leucine, an amino acid with highly similar properties. This amino acid position is highly conserved in available vertebrate species. In addition, the in silico prediction for this alteration is inconclusive. Since supporting evidence is limited at this time, the clinical significance of this alteration remains unclear.